The following is an entry in ClinVar:

NM_025243.4(SLC19A3):c.490del (p.Leu164fs)

Gene: SLC19A3 (solute carrier family 19 member 3; minus strand). Cytogenetic location: 2q36.3.
Variant type: Deletion.
Coding change: c.490del on transcript NM_025243.4 (MANE Select); coding-DNA position 490, one base deleted (C; older notation c.490delC).
Protein change: p.Leu164fs; shifts the reading frame from leucine 164.
Molecular consequence: frameshift variant.
Genome position (GRCh38, 1-based): chr2:227,699,225, G deleted on the plus strand (C on the coding strand, the reverse complement: SLC19A3 is on the minus strand); the first of 3 consecutive G bases (chr2:227,699,225-227,699,227); deleting any one gives the same sequence. VCF-style (leftmost placement, unchanged base first): chr2-227699224-AG-A. GRCh37 (hg19) VCF-style: chr2-228563940-AG-A.
Other names: c.490del, p.Leu164fs (NM_001371411.1, NM_001371412.1); c.478del, p.Leu160fs (NM_001371413.1, NM_001371414.1); short protein forms L160fs, L164fs.
Identifiers: ClinVar variation 5014381 (VCV005014381.1).

ClinVar aggregate classification (germline): Pathogenic (1 of 4 stars; one submission).

Conditions:
Biotin-responsive basal ganglia disease (BTBGD). Also called: Thiamine metabolism dysfunction syndrome 2 (biotin- or thiamine-responsive encephalopathy type 2); Thiamine metabolism dysfunction syndrome type 2; Thiamine Transporter-2 Deficiency; thiamine-responsive encephalopathy; THIAMINE METABOLISM DYSFUNCTION SYNDROME 2 (BIOTIN- AND THIAMINE-RESPONSIVE TYPE). Identifiers: Orphanet 199348, Orphanet 65284, MedGen C1843807, MONDO:0011841, OMIM 607483.

Submission:

Myriad Genetics, Inc.
Classification: Pathogenic for Biotin-responsive basal ganglia disease. Last evaluated: 2025-05-05. Review status: criteria provided, single submitter. Criteria: Myriad Autosomal Dominant, Autosomal Recessive and X-Linked Classification Criteria (2023). Collection method: clinical testing. Allele origin: unknown.
Comment: NM_025243.3(SLC19A3):c.490delC(L164Wfs*44) is expected to be pathogenic in the context of biotin-thiamine-responsive basal ganglia disease. This variant is predicted to lead to an abnormal or absent protein product due to the creation of a premature termination codon in SLC19A3, a gene where loss-of-function variants are known to be pathogenic. Please note: this variant was assessed in the context of healthy population screening.